The following is an entry in ClinVar:

NM_001429.4(EP300):c.6654C>T (p.Gly2218=)

Gene: EP300 (EP300 lysine acetyltransferase; plus strand). Cytogenetic location: 22q13.2.
Variant type: single nucleotide variant.
Coding change: c.6654C>T on transcript NM_001429.4 (MANE Select); coding-DNA position 6654, C replaced by T.
Protein change: p.Gly2218=; no amino-acid change (glycine 2218 retained).
Molecular consequence: synonymous variant.
Genome position (GRCh38, 1-based): chr22:41,178,365, C>T. VCF-style: chr22-41178365-C-T. GRCh37 (hg19) VCF-style: chr22-41574369-C-T.
Other names: c.6576C>T, p.Gly2192= (NM_001362843.2).
Identifiers: ClinVar variation 5001753 (VCV005001753.1).

ClinVar aggregate classification (germline): Likely benign (1 of 4 stars; one submission).

Conditions:
EP300-related disorder. Also called: EP300-related condition; EP300-related disorders.

Submission:

PreventionGenetics, part of Exact Sciences
Classification: Likely benign for EP300-related condition. Last evaluated: 2025-05-13. Review status: criteria provided, single submitter. Criteria: ACMG Guidelines, 2015. Collection method: clinical testing. Allele origin: germline.
Comment: This variant is classified as likely benign based on ACMG/AMP sequence variant interpretation guidelines (Richards et al. 2015 PMID: 25741868, with internal and published modifications).